The following is an entry in ClinVar:

ClinVar aggregate classification (germline): Uncertain significance. Review status: criteria provided, multiple submitters, no conflicts (2 of 4 stars). 2 submissions from 2 submitters: Uncertain significance (2). Last evaluated 2024-05-17.

Conditions:
Inborn genetic diseases. Identifiers: MedGen C0950123, MeSH D030342.

Allele frequency attached by ClinVar (database versions not stated): gnomAD exomes below 0.00001; ExAC 0.00001; gnomAD 0.00005; TOPMed 0.00005.
gnomAD v4.1: 12 of 1,612,026 alleles (0.00074%); highest among the groups gnomAD compares: African/African-American, 0.015%; no homozygotes.

Submissions (2):

Labcorp Genetics (formerly Invitae), Labcorp
Classification: Uncertain significance. Last evaluated: 2024-05-17. Review status: criteria provided, single submitter. Criteria: Invitae Variant Classification Sherloc (09022015). Collection method: clinical testing. Allele origin: germline.
Comment: This sequence change replaces phenylalanine, which is neutral and non-polar, with leucine, which is neutral and non-polar, at codon 1134 of the JAK1 protein (p.Phe1134Leu). This variant is present in population databases (rs767652390, gnomAD 0.02%). This variant has not been reported in the literature in individuals affected with JAK1-related conditions. Advanced modeling of protein sequence and biophysical properties (such as structural, functional, and spatial information, amino acid conservation, physicochemical variation, residue mobility, and thermodynamic stability) performed at Invitae indicates that this missense variant is not expected to disrupt JAK1 protein function with a negative predictive value of 80%. In summary, the available evidence is currently insufficient to determine the role of this variant in disease. Therefore, it has been classified as a Variant of Uncertain Significance.

Ambry Genetics
Classification: Uncertain significance for Inborn genetic diseases. Last evaluated: 2024-01-16. Review status: criteria provided, single submitter. Criteria: Ambry Variant Classification Scheme 2023. Collection method: clinical testing. Allele origin: germline.

NM_002227.4(JAK1):c.3402C>G (p.Phe1134Leu)

Gene: JAK1 (Janus kinase 1; minus strand). Cytogenetic location: 1p31.3.
Variant type: single nucleotide variant.
Coding change: c.3402C>G on transcript NM_002227.4 (MANE Select); coding-DNA position 3402, C replaced by G.
Protein change: p.Phe1134Leu; replaces phenylalanine 1134 with leucine.
Molecular consequence: missense variant.
Genome position (GRCh38, 1-based): chr1:64,834,625, G>C on the plus strand (C>G on the coding strand, the complement: JAK1 is on the minus strand). VCF-style: chr1-64834625-G-C. GRCh37 (hg19) VCF-style: chr1-65300308-G-C.
Other names: c.3402C>G, p.Phe1134Leu (NM_001320923.2, NM_001321852.2, NM_001321853.2 and 3 more transcripts); c.3399C>G, p.Phe1133Leu (NM_001321857.2); short protein forms F1134L, F1133L.
Identifiers: ClinVar variation 3112145 (VCV003112145.3), dbSNP rs767652390, ClinGen allele CA892440.